The following is an entry in ClinVar:

NM_033026.6(PCLO):c.95C>T (p.Pro32Leu)

Gene: PCLO (piccolo presynaptic cytomatrix protein; minus strand). Cytogenetic location: 7q21.11.
Variant type: single nucleotide variant.
Coding change: c.95C>T on transcript NM_033026.6 (MANE Select); coding-DNA position 95, C replaced by T.
Protein change: p.Pro32Leu; replaces proline 32 with leucine.
Molecular consequence: missense variant.
Genome position (GRCh38, 1-based): chr7:83,162,498, G>A on the plus strand (C>T on the coding strand, the complement: PCLO is on the minus strand). VCF-style: chr7-83162498-G-A. GRCh37 (hg19) VCF-style: chr7-82791814-G-A.
Other names: c.95C>T, p.Pro32Leu (NM_014510.3); short protein forms P32L.
Identifiers: ClinVar variation 1345682 (VCV001345682.8), dbSNP rs915822085, ClinGen allele CA367922461.

ClinVar aggregate classification (germline): Uncertain significance (1 of 4 stars; one submission).

Allele frequency attached by ClinVar (database versions not stated): gnomAD exomes below 0.00001.
gnomAD v4.1: 3 of 1,569,656 alleles (0.00019%); highest among the groups gnomAD compares: Non-Finnish European, 0.00017%; no homozygotes.

Submission:

Labcorp Genetics (formerly Invitae), Labcorp
Classification: Uncertain significance. Last evaluated: 2022-06-28. Review status: criteria provided, single submitter. Criteria: Invitae Variant Classification Sherloc (09022015). Collection method: clinical testing. Allele origin: germline.
Comment: In summary, the available evidence is currently insufficient to determine the role of this variant in disease. Therefore, it has been classified as a Variant of Uncertain Significance. Algorithms developed to predict the effect of missense changes on protein structure and function are either unavailable or do not agree on the potential impact of this missense change (SIFT: "Tolerated"; PolyPhen-2: "Not Available"; Align-GVGD: "Class C0"). This sequence change replaces proline, which is neutral and non-polar, with leucine, which is neutral and non-polar, at codon 32 of the PCLO protein (p.Pro32Leu). This variant is not present in population databases (gnomAD no frequency). This variant has not been reported in the literature in individuals affected with PCLO-related conditions.